The following is an entry in ClinVar:

NM_014112.5(TRPS1):c.2031A>C (p.Lys677Asn)

Genes: TRPS1 (transcriptional repressor GATA binding 1; minus strand), TRPS1-AS1 (TRPS1 antisense RNA 1; plus strand). Cytogenetic location: 8q23.3.
Variant type: single nucleotide variant.
Coding change: c.2031A>C on transcript NM_014112.5 (MANE Select); coding-DNA position 2031, A replaced by C.
Protein change: p.Lys677Asn; replaces lysine 677 with asparagine.
Molecular consequence: missense variant.
Genome position (GRCh38, 1-based): chr8:115,603,938, T>G on the plus strand (A>C on the coding strand, the complement: TRPS1 is on the minus strand). VCF-style: chr8-115603938-T-G. GRCh37 (hg19) VCF-style: chr8-116616165-T-G.
Other names: p.Lys677Asn; c.2004A>C, p.Lys668Asn (NM_001282902.3); c.2010A>C, p.Lys670Asn (NM_001282903.3); c.1992A>C, p.Lys664Asn (NM_001330599.2); short protein forms K668N, K677N, K664N, K670N.
Identifiers: ClinVar variation 2203763 (VCV002203763.2), dbSNP rs2536888300, ClinGen allele CA372066080.

ClinVar aggregate classification (germline): Uncertain significance (1 of 4 stars; one submission).

Conditions:
Trichorhinophalangeal dysplasia type I (TRPS1). Also called: TRPS I; TRICHORHINOPHALANGEAL SYNDROME, TYPE I. Identifiers: Orphanet 77258, MedGen C0432233, MONDO:0008596, OMIM 190350.

Submission:

Foundation for Research in Genetics and Endocrinology, FRIGE's Institute of Human Genetics
Classification: Uncertain significance for Trichorhinophalangeal dysplasia type I. Last evaluated: 2022-12-19. Review status: criteria provided, single submitter. Criteria: ACMG Guidelines, 2015. Collection method: clinical testing. Allele origin: germline. Inheritance: Autosomal dominant inheritance. Affected: yes. Observed: 1 heterozygote.
Comment: A heterozygous missense variation in exon 4 of the TRPS1 gene that results in the amino acid substitution of Asparagine for Lysine at codon 677 (p.Lys677Asn) was detected. The p.Lys677Asn variant has not been reported in the 1000 genomes, gnomAD databases. The in silico predictions of the variant are possibly damaging by PolyPhen-2 (HumDiv) and damaging by SIFT. The reference codon is conserved across species. In summary, the variant meets our criteria to be classified as a variant of uncertain significance.